The following is an entry in ClinVar:

NM_001130987.2(DYSF):c.3332G>T (p.Arg1111Leu)

Gene: DYSF (dysferlin; plus strand). Cytogenetic location: 2p13.2.
Variant type: single nucleotide variant.
Coding change: c.3332G>T on transcript NM_001130987.2 (MANE Select); coding-DNA position 3332, G replaced by T.
Protein change: p.Arg1111Leu; replaces arginine 1111 with leucine.
Molecular consequence: missense variant.
Genome position (GRCh38, 1-based): chr2:71,574,301, G>T. VCF-style: chr2-71574301-G-T. GRCh37 (hg19) VCF-style: chr2-71801431-G-T.
Other names: c.3281G>T, p.Arg1094Leu (NM_001130455.2, NM_001130983.2); c.3236G>T, p.Arg1079Leu (NM_001130976.2, NM_001130977.2); c.3278G>T, p.Arg1093Leu (NM_001130978.2, NM_003494.4); c.3371G>T, p.Arg1124Leu (NM_001130979.2); c.3329G>T, p.Arg1110Leu (NM_001130980.2, NM_001130981.2); c.3374G>T, p.Arg1125Leu (NM_001130982.2); c.3239G>T, p.Arg1080Leu (NM_001130984.2, NM_001130986.2); c.3332G>T, p.Arg1111Leu (NM_001130985.2); short protein forms R1080L, R1094L, R1111L, R1093L, R1079L, R1110L, R1124L, R1125L.
Identifiers: ClinVar variation 1969500 (VCV001969500.5), dbSNP rs111488441, ClinGen allele CA347218249.

ClinVar aggregate classification (germline): Uncertain significance (1 of 4 stars; one submission).

Conditions:
Neuromuscular disease caused by qualitative or quantitative defects of dysferlin. Also called: Qualitative or quantitative defects of dysferlin; Dysferlinopathy. Identifiers: Orphanet 207073, MedGen C2931687, MONDO:0016145.

Submission:

Labcorp Genetics (formerly Invitae), Labcorp
Classification: Uncertain significance for Neuromuscular disease caused by qualitative or quantitative defects of dysferlin. Last evaluated: 2022-06-15. Review status: criteria provided, single submitter. Criteria: Invitae Variant Classification Sherloc (09022015). Collection method: clinical testing. Allele origin: germline.
Comment: This variant is not present in population databases (gnomAD no frequency). This variant has not been reported in the literature in individuals affected with DYSF-related conditions. Advanced modeling of protein sequence and biophysical properties (such as structural, functional, and spatial information, amino acid conservation, physicochemical variation, residue mobility, and thermodynamic stability) performed at Invitae indicates that this missense variant is expected to disrupt DYSF protein function. In summary, the available evidence is currently insufficient to determine the role of this variant in disease. Therefore, it has been classified as a Variant of Uncertain Significance. This sequence change replaces arginine, which is basic and polar, with leucine, which is neutral and non-polar, at codon 1093 of the DYSF protein (p.Arg1093Leu).